The following is an entry in ClinVar:

ClinVar aggregate classification (germline): Uncertain significance (1 of 4 stars; one submission).

Submission:

Women's Health and Genetics/Laboratory Corporation of America, LabCorp
Classification: Uncertain significance. Last evaluated: 2026-02-03. Review status: criteria provided, single submitter. Criteria: LabCorp Variant Classification Summary - May 2015. Collection method: clinical testing. Allele origin: germline.
Comment: Variant summary: NLRP1 c.1872_1873delCT (p.Cys625PhefsX15) results in a premature termination codon, predicted to cause a truncation of the encoded protein or absence of the protein due to nonsense mediated decay, however current evidence is not sufficient to establish loss of function as a mechanism for disease. The variant was absent in 251350 control chromosomes. The available data on variant occurrences in the general population are insufficient to allow any conclusion about variant significance. To our knowledge, no occurrence of c.1872_1873delCT in individuals affected with NLRP1-related conditions and no experimental evidence demonstrating its impact on protein function have been reported. No submitters have cited clinical-significance assessments for this variant to ClinVar. Based on the evidence outlined above, the variant was classified as uncertain significance.

NM_033004.4(NLRP1):c.1872_1873del (p.Cys625fs)

Gene: NLRP1 (NLR family pyrin domain containing 1; minus strand). Cytogenetic location: 17p13.2.
Variant type: Microsatellite.
Coding change: c.1872_1873del on transcript NM_033004.4 (MANE Select); coding-DNA positions 1872 to 1873, 2 bases deleted (CT; older notation c.1872_1873delCT).
Protein change: p.Cys625fs; shifts the reading frame from cysteine 625.
Molecular consequence: frameshift variant.
Genome position (GRCh38, 1-based): chr17:5,558,823-5,558,824, AG deleted on the plus strand (CT on the coding strand, the reverse complement: NLRP1 is on the minus strand); deleting any 2 consecutive bases within chr17:5,558,823-5,558,826 gives the same sequence; the c. name uses the placement nearest the transcript's 3' end. VCF-style (leftmost placement, unchanged base first): chr17-5558822-CAG-C. GRCh37 (hg19) VCF-style: chr17-5462142-CAG-C.
Other names: c.1872_1873delCT (NM_033004.4); c.1872_1873del, p.Cys625fs (NM_001033053.3, NM_014922.5, NM_033006.4 and 1 more transcripts); short protein forms C625fs.
Identifiers: ClinVar variation 4848082 (VCV004848082.1).
Genomic context (GRCh38, chr17:5,558,822, plus strand): 5'-TTACCTCTCCCCTTCTCATCCTCCAAGACATAGGACATTGCTGCAAAGAACTCTTGGAAA[CAG>C]AGGTGAATGAAGCTGTAGCTCAGAGGGATGGGGTGCTCTTGAAGAATACCCATCTTCAAG-3'